The following is an entry in ClinVar:

NM_000501.4(ELN):c.1287C>T (p.Val429=)

Gene: ELN (elastin; plus strand). Cytogenetic location: 7q11.23.
Variant type: single nucleotide variant.
Coding change: c.1287C>T on transcript NM_000501.4 (MANE Select); coding-DNA position 1287, C replaced by T.
Protein change: p.Val429=; no amino-acid change (valine 429 retained).
Molecular consequence: synonymous variant. On other transcripts: intron variant (2).
Genome position (GRCh38, 1-based): chr7:74,056,407, C>T. VCF-style: chr7-74056407-C-T. GRCh37 (hg19) VCF-style: chr7-73470737-C-T.
Other names: c.1257C>T, p.Val419= (NM_001081752.3, NM_001278917.2); c.1302C>T, p.Val434= (NM_001081753.3, NM_001081754.3); c.1287C>T, p.Val429= (NM_001081755.3, NM_001278912.2, NM_001278915.2 and 1 more transcripts); c.1272C>T, p.Val424= (NM_001278914.2); c.1245C>T, p.Val415= (NM_001278916.2); c.1129+50C>T (NM_001278913.2); c.1105+50C>T (NM_001278918.2).
Identifiers: ClinVar variation 509414 (VCV000509414.6), dbSNP rs200666061, ClinGen allele CA4292917.

ClinVar aggregate classification (germline): Likely benign. Review status: criteria provided, multiple submitters, no conflicts (2 of 4 stars). 3 submissions from 3 submitters: Likely benign (3). Last evaluated 2024-10-03.

Conditions:
Supravalvar aortic stenosis (SVAS). Also called: Supravalvar aortic stenosis, Eisenberg type. Identifiers: Orphanet 3193, MedGen C0003499, MONDO:0008504, OMIM 185500, HP:0004381.

Allele frequency attached by ClinVar (database versions not stated): ExAC 0.00002; gnomAD exomes 0.00002; TOPMed 0.00002; gnomAD 0.00003 and 0.00004.
gnomAD v4.1: 31 of 1,613,574 alleles (0.0019%); highest among the groups gnomAD compares: African/African-American, 0.004%; no homozygotes.

Submissions (3):

Labcorp Genetics (formerly Invitae), Labcorp
Classification: Likely benign for Supravalvar aortic stenosis. Last evaluated: 2024-10-03. Review status: criteria provided, single submitter. Criteria: Invitae Variant Classification Sherloc (09022015). Collection method: clinical testing. Allele origin: germline.

Blueprint Genetics
Classification: Likely benign. Last evaluated: 2023-04-04. Review status: criteria provided, single submitter. Criteria: ACMG Guidelines, 2015. Collection method: clinical testing. Allele origin: germline.

GeneDx
Classification: Likely benign. Last evaluated: 2017-05-08. Review status: criteria provided, single submitter. Criteria: GeneDx Variant Classification (06012015). Collection method: clinical testing. Allele origin: germline. Affected: yes.
Comment: This variant is considered likely benign or benign based on one or more of the following criteria: it is a conservative change, it occurs at a poorly conserved position in the protein, it is predicted to be benign by multiple in silico algorithms, and/or has population frequency not consistent with disease.